The following is an entry in ClinVar:

ClinVar aggregate classification (germline): Uncertain significance. Review status: criteria provided, multiple submitters, no conflicts (2 of 4 stars). 2 submissions from 2 submitters: Uncertain significance (2). Last evaluated 2023-03-07.

Conditions:
Familial thoracic aortic aneurysm and aortic dissection (TAAD). Also called: Thoracic aortic aneurysms and dissections. Identifiers: Orphanet 91387, MedGen C4707243, MONDO:0019625.
Arterial tortuosity syndrome (ATORS). Identifiers: Orphanet 3342, MedGen C1859726, MONDO:0008818, OMIM 208050.

Allele frequency attached by ClinVar (database versions not stated): ExAC 0.00001; TOPMed 0.00001; ESP Exome Variant Server 0.00015.
gnomAD v4.1: 7 of 1,614,036 alleles (0.00043%); highest among the groups gnomAD compares: African/African-American, 0.0053%; no homozygotes.

Submissions (2):

Ambry Genetics
Classification: Uncertain significance for Familial thoracic aortic aneurysm and aortic dissection. Last evaluated: 2023-03-07. Review status: criteria provided, single submitter. Criteria: Ambry Variant Classification Scheme 2023. Collection method: clinical testing. Allele origin: germline.
Comment: The p.N334K variant (also known as c.1002T>A), located in coding exon 2 of the SLC2A10 gene, results from a T to A substitution at nucleotide position 1002. The asparagine at codon 334 is replaced by lysine, an amino acid with similar properties. This amino acid position is well conserved in available vertebrate species. In addition, this alteration is predicted to be tolerated by in silico analysis. Since supporting evidence is limited at this time, the clinical significance of this alteration remains unclear.

Labcorp Genetics (formerly Invitae), Labcorp
Classification: Uncertain significance for Arterial tortuosity syndrome. Last evaluated: 2021-08-28. Review status: criteria provided, single submitter. Criteria: Invitae Variant Classification Sherloc (09022015). Collection method: clinical testing. Allele origin: germline.
Comment: This sequence change replaces asparagine with lysine at codon 334 of the SLC2A10 protein (p.Asn334Lys). The asparagine residue is moderately conserved and there is a moderate physicochemical difference between asparagine and lysine. This variant is present in population databases (rs377238665, ExAC 0.01%). This variant has not been reported in the literature in individuals affected with SLC2A10-related conditions. Algorithms developed to predict the effect of missense changes on protein structure and function (SIFT, PolyPhen-2, Align-GVGD) all suggest that this variant is likely to be tolerated. Algorithms developed to predict the effect of sequence changes on RNA splicing suggest that this variant may create or strengthen a splice site. In summary, the available evidence is currently insufficient to determine the role of this variant in disease. Therefore, it has been classified as a Variant of Uncertain Significance.

NM_030777.4(SLC2A10):c.1002T>A (p.Asn334Lys)

Gene: SLC2A10 (solute carrier family 2 member 10; plus strand). Cytogenetic location: 20q13.12.
Variant type: single nucleotide variant.
Coding change: c.1002T>A on transcript NM_030777.4 (MANE Select); coding-DNA position 1002, T replaced by A.
Protein change: p.Asn334Lys; replaces asparagine 334 with lysine.
Molecular consequence: missense variant.
Genome position (GRCh38, 1-based): chr20:46,726,038, T>A. VCF-style: chr20-46726038-T-A. GRCh37 (hg19) VCF-style: chr20-45354677-T-A.
Other names: c.1002T>A (NM_030777.3); short protein forms N334K.
Identifiers: ClinVar variation 1007900 (VCV001007900.7), dbSNP rs377238665, ClinGen allele CA9892086.